The following is an entry in ClinVar:

ClinVar aggregate classification (germline): Uncertain significance (1 of 4 stars; one submission).

Conditions:
Hereditary cancer-predisposing syndrome. Also called: Hereditary neoplastic syndrome; Tumor predisposition; Neoplastic Syndromes, Hereditary; Hereditary Cancer Syndrome. Identifiers: Orphanet 140162, MedGen C0027672, MeSH D009386, MONDO:0015356.

Submission:

Sema4
Classification: Uncertain significance for Hereditary cancer-predisposing syndrome. Last evaluated: 2021-09-30. Review status: criteria provided, single submitter. Criteria: Sema4 Curation Guidelines. Collection method: curation. Allele origin: germline.
Comment: The BRCA1 c.*58C>G variant has not been reported in the literature to our knowledge. It was not observed in the large and broad cohorts of the Genome Aggregation Database. The variant has not been reported in ClinVar. The evidence is insufficient to meet ACMG/AMP criteria for classifying the variant as benign or pathogenic. Thus, the clinical significance of this variant is currently uncertain.

NM_007294.4(BRCA1):c.*58C>G

Gene: BRCA1 (BRCA1 DNA repair associated; minus strand). Cytogenetic location: 17q21.31.
Variant type: single nucleotide variant.
Coding change: c.*58C>G on transcript NM_007294.4 (MANE Select); 58 bases downstream of the stop codon, C replaced by G.
Molecular consequence: 3 prime UTR variant. On other transcripts: non-coding transcript variant (1).
Genome position (GRCh38, 1-based): chr17:43,045,620, G>C on the plus strand (C>G on the coding strand, the complement: BRCA1 is on the minus strand). VCF-style: chr17-43045620-G-C. GRCh37 (hg19) VCF-style: chr17-41197637-G-C.
Other names: c.*58C>G (NM_001407571.1, NM_001407581.1, NM_001407582.1 and 348 more transcripts); c.*164C>G (NM_001407854.1, NM_001407858.1, NM_001407859.1 and 14 more transcripts).
Identifiers: ClinVar variation 1692955 (VCV001692955.1), dbSNP rs137892861, ClinGen allele CA2260760972.